The following is an entry in ClinVar:

ClinVar aggregate classification (germline): Likely benign. Review status: criteria provided, single submitter (1 of 4 stars). 2 submissions from 2 submitters: Likely benign (1). 1 of the submissions does not count toward it. Last evaluated 2022-07-02.

Conditions:
POMK-related disorder. Also called: POMK-related condition.
Limb-girdle muscular dystrophy due to POMK deficiency. Also called: MUSCULAR DYSTROPHY-DYSTROGLYCANOPATHY, LIMB-GIRDLE, POMK-RELATED; Muscular dystrophy-dystroglycanopathy (limb-girdle), type c, 12. Identifiers: Orphanet 445110, MedGen C4015184, MONDO:0014489, OMIM 616094.
Muscular dystrophy-dystroglycanopathy (congenital with brain and eye anomalies), type a, 12 (MDDGA12). Also called: WALKER-WARBURG SYNDROME OR MUSCLE-EYE-BRAIN DISEASE, POMK-RELATED. Identifiers: Orphanet 899, MedGen C3808964, MONDO:0014101, OMIM 615249.

Allele frequency attached by ClinVar (database versions not stated): gnomAD 0.00001; TOPMed 0.00001; gnomAD exomes 0.00002; ExAC 0.00003.

Submissions (2):

Labcorp Genetics (formerly Invitae), Labcorp
Classification: Likely benign for Muscular dystrophy-dystroglycanopathy (congenital with brain and eye anomalies), type a, 12; Limb-girdle muscular dystrophy due to POMK deficiency. Last evaluated: 2022-07-02. Review status: criteria provided, single submitter. Criteria: Invitae Variant Classification Sherloc (09022015). Collection method: clinical testing. Allele origin: germline.

PreventionGenetics, part of Exact Sciences
Classification: Likely benign for POMK-related condition. Last evaluated: 2019-02-20. Review status: no assertion criteria provided. Collection method: clinical testing. Allele origin: germline. Not counted in ClinVar's aggregate classification.
Comment: This variant is classified as likely benign based on ACMG/AMP sequence variant interpretation guidelines (Richards et al. 2015 PMID: 25741868, with internal and published modifications).

NM_032237.5(POMK):c.283-6T>C

Gene: POMK (protein O-mannose kinase; plus strand). Cytogenetic location: 8p11.21.
Variant type: single nucleotide variant.
Coding change: c.283-6T>C on transcript NM_032237.5 (MANE Select); 6 bases into the intron before coding-DNA position 283, T replaced by C.
Molecular consequence: intron variant.
Genome position (GRCh38, 1-based): chr8:43,122,101, T>C. VCF-style: chr8-43122101-T-C. GRCh37 (hg19) VCF-style: chr8-42977244-T-C.
Other names: c.283-6T>C (NM_001277971.2, NM_032237.4).
Identifiers: ClinVar variation 2149218 (VCV002149218.6), dbSNP rs763534542, ClinGen allele CA4736262.